The following is an entry in ClinVar:

NC_000009.11:g.271628_464219del

Gene: DOCK8 (dedicator of cytokinesis 8; plus strand). Cytogenetic location: 9p24.3.
Variant type: Deletion.
Identifiers: ClinVar variation 4884345 (VCV004884345.1).

ClinVar aggregate classification (germline): Pathogenic (1 of 4 stars; one submission).

Conditions:
Combined immunodeficiency due to DOCK8 deficiency (HIES2). Also called: HIES autosomal recessive; DOCK8 Deficiency; HYPER-IgE RECURRENT INFECTION SYNDROME 2, AUTOSOMAL RECESSIVE; Hyper-IgE recurrent infection syndrome, autosomal recessive; HYPER-IgE SYNDROME 2, AUTOSOMAL RECESSIVE, WITH RECURRENT INFECTIONS. Identifiers: Orphanet 217390, MedGen C4722305, MONDO:0009478, OMIM 243700.

Submission:

Next Generation Genetic Polyclinic
Classification: Pathogenic for Combined immunodeficiency due to DOCK8 deficiency. Review status: criteria provided, single submitter. Criteria: ACMG Guidelines, 2015. Collection method: clinical testing. Allele origin: germline. Inheritance: Autosomal recessive inheritance. Affected: yes. Observed: 1 variant allele, 1 homozygote.
Comment: The NC_000009.11 HG19: 9p24.3 | DEL:chr9:271,628-464,219, encompassing exons 2 to 48 of the DOCK8 gene, is a homozygous multi-exon deletion that removes nearly the entire coding sequence of the gene, resulting in an absent or severely disrupted protein product (PVS1). This variant is not present in population databases such as gnomAD (PM2_sup). In summary, this variant meets criteria to be classified as pathogenic for DOCK8 deficiency based on the ACMG/AMP criteria applied: PVS1, PP4, PM2_sup, PM3_sup.

Literature cited by the submitters: PubMed 20004785.